The following is an entry in ClinVar:

ClinVar aggregate classification (germline): Conflicting classifications of pathogenicity. Review status: criteria provided, conflicting classifications (1 of 4 stars). 2 submissions from 2 submitters: Pathogenic (1); Uncertain significance (1). Last evaluated 2022-09-19.

Allele frequency attached by ClinVar (database versions not stated): gnomAD exomes below 0.00001.
gnomAD v4.1: 1 of 1,613,542 alleles (0.000062%); highest among the groups gnomAD compares: Admixed American, 0.0017%; no homozygotes.

Submissions (2):

Labcorp Genetics (formerly Invitae), Labcorp
Classification: Pathogenic. Last evaluated: 2022-09-19. Review status: criteria provided, single submitter. Criteria: Invitae Variant Classification Sherloc (09022015). Collection method: clinical testing. Allele origin: germline.
Comment: For these reasons, this variant has been classified as Pathogenic. This sequence change creates a premature translational stop signal (p.Trp220*) in the RINT1 gene. It is expected to result in an absent or disrupted protein product. Loss-of-function variants in RINT1 are known to be pathogenic (PMID: 31204009). This variant is not present in population databases (gnomAD no frequency). This variant has not been reported in the literature in individuals affected with RINT1-related conditions. ClinVar contains an entry for this variant (Variation ID: 1018897).

Ambry Genetics
Classification: Uncertain significance. Last evaluated: 2021-09-20. Review status: criteria provided, single submitter. Criteria: Ambry Variant Classification Scheme 2023. Collection method: clinical testing. Allele origin: germline.
Comment: The p.W220* variant (also known as c.659G>A), located in coding exon 5 of the RINT1 gene, results from a G to A substitution at nucleotide position 659. This changes the amino acid from a tryptophan to a stop codon within coding exon 5. This alteration is expected to result in premature protein truncation or nonsense-mediated mRNA decay. However, the gene-disease association for RINT1 is limited. Since supporting evidence is limited at this time, the clinical significance of this alteration remains unclear.

Literature cited by the submitters: PubMed 31204009 (cited by Labcorp Genetics (formerly Invitae), Labcorp).

NM_021930.6(RINT1):c.659G>A (p.Trp220Ter)

Gene: RINT1 (RAD50 interactor 1; plus strand). Cytogenetic location: 7q22.3.
Variant type: single nucleotide variant.
Coding change: c.659G>A on transcript NM_021930.6 (MANE Select); coding-DNA position 659, G replaced by A.
Protein change: p.Trp220Ter; replaces tryptophan 220 with a stop codon.
Molecular consequence: nonsense. On other transcripts: 5 prime UTR variant (2), non-coding transcript variant (1), intron variant (1).
Genome position (GRCh38, 1-based): chr7:105,547,053, G>A. VCF-style: chr7-105547053-G-A. GRCh37 (hg19) VCF-style: chr7-105187500-G-A.
Other names: c.425G>A, p.Trp142Ter (NM_001346599.2); c.-361G>A (NM_001346600.2); c.-264G>A (NM_001346601.2); c.-27-3002G>A (NM_001346603.2); short protein forms W142*, W220*.
Identifiers: ClinVar variation 1018897 (VCV001018897.9), dbSNP rs1790697157, ClinGen allele CA368805936.